The following is an entry in ClinVar:

NM_176824.3(BBS7):c.1042G>T (p.Glu348Ter)

Gene: BBS7 (Bardet-Biedl syndrome 7; minus strand). Cytogenetic location: 4q27.
Variant type: single nucleotide variant.
Coding change: c.1042G>T on transcript NM_176824.3 (MANE Select); coding-DNA position 1042, G replaced by T.
Protein change: p.Glu348Ter; replaces glutamic acid 348 with a stop codon.
Molecular consequence: nonsense.
Genome position (GRCh38, 1-based): chr4:121,845,692, C>A on the plus strand (G>T on the coding strand, the complement: BBS7 is on the minus strand). VCF-style: chr4-121845692-C-A. GRCh37 (hg19) VCF-style: chr4-122766847-C-A.
Other names: c.1042G>T, p.Glu348Ter (NM_018190.4); short protein forms E348*.
Identifiers: ClinVar variation 2752986 (VCV002752986.3), dbSNP rs2476496988, ClinGen allele CA358062801.

ClinVar aggregate classification (germline): Pathogenic (1 of 4 stars; one submission).

Conditions:
Bardet-Biedl syndrome (BBS). Identifiers: Orphanet 110, MedGen C0752166, MONDO:0015229.

gnomAD v4.1: 1 of 1,611,442 alleles (0.000062%); highest among the groups gnomAD compares: South Asian, 0.0011%; no homozygotes.

Submission:

Labcorp Genetics (formerly Invitae), Labcorp
Classification: Pathogenic for Bardet-Biedl syndrome. Last evaluated: 2023-08-16. Review status: criteria provided, single submitter. Criteria: Invitae Variant Classification Sherloc (09022015). Collection method: clinical testing. Allele origin: germline.
Comment: For these reasons, this variant has been classified as Pathogenic. This sequence change creates a premature translational stop signal (p.Glu348*) in the BBS7 gene. It is expected to result in an absent or disrupted protein product. Loss-of-function variants in BBS7 are known to be pathogenic (PMID: 12567324, 19402160, 21209035, 31196119). This variant is not present in population databases (gnomAD no frequency). This variant has not been reported in the literature in individuals affected with BBS7-related conditions.

Literature cited by the submitters: PubMed 12567324; PubMed 19402160; PubMed 21209035; PubMed 31196119.